The following is an entry in ClinVar:

ClinVar aggregate classification (germline): Pathogenic. Review status: criteria provided, single submitter (1 of 4 stars). 2 submissions from 2 submitters: Pathogenic (1). 1 of the submissions does not count toward it. Last evaluated 2024-02-13.

Conditions:
METHYLMALONIC ACIDURIA, mut(0) TYPE. Identifiers: MedGen C1855115, OMIM 251000.

Allele frequency attached by ClinVar (database versions not stated): gnomAD exomes below 0.00001; TOPMed below 0.00001; ExAC 0.00001.
gnomAD v4.1: 1 of 1,614,042 alleles (0.000062%); highest among the groups gnomAD compares: African/African-American, 0.0013%; no homozygotes.

Submissions (2):

Labcorp Genetics (formerly Invitae), Labcorp
Classification: Pathogenic. Last evaluated: 2024-02-13. Review status: criteria provided, single submitter. Criteria: Invitae Variant Classification Sherloc (09022015). Collection method: clinical testing. Allele origin: germline.
Comment: This sequence change replaces glycine, which is neutral and non-polar, with arginine, which is basic and polar, at codon 703 of the MUT protein (p.Gly703Arg). This variant is present in population databases (rs121918255, gnomAD 0.007%). This missense change has been observed in individual(s) with methylmalonic aciduria (PMID: 7909321). In at least one individual the data is consistent with being in trans (on the opposite chromosome) from a pathogenic variant. ClinVar contains an entry for this variant (Variation ID: 1885). Advanced modeling of protein sequence and biophysical properties (such as structural, functional, and spatial information, amino acid conservation, physicochemical variation, residue mobility, and thermodynamic stability) performed at Invitae indicates that this missense variant is expected to disrupt MUT protein function with a positive predictive value of 95%. Experimental studies have shown that this missense change affects MUT function (PMID: 7909321). For these reasons, this variant has been classified as Pathogenic.

OMIM
Classification: Pathogenic for METHYLMALONIC ACIDURIA, mut(0) TYPE. Last evaluated: 1994-04-01. Review status: no assertion criteria provided. Collection method: literature only. Allele origin: germline. Not counted in ClinVar's aggregate classification.

Literature cited by the submitters: PubMed 7909321 (cited by Labcorp Genetics (formerly Invitae), Labcorp and OMIM).

NM_000255.4(MMUT):c.2107G>C (p.Gly703Arg)

Gene: MMUT (methylmalonyl-CoA mutase; minus strand). Cytogenetic location: 6p12.3.
Variant type: single nucleotide variant.
Coding change: c.2107G>C on transcript NM_000255.4 (MANE Select); coding-DNA position 2107, G replaced by C.
Protein change: p.Gly703Arg; replaces glycine 703 with arginine.
Molecular consequence: missense variant.
Genome position (GRCh38, 1-based): chr6:49,435,473, C>G on the plus strand (G>C on the coding strand, the complement: MMUT is on the minus strand). VCF-style: chr6-49435473-C-G. GRCh37 (hg19) VCF-style: chr6-49403186-C-G.
Other names: short protein forms G703R.
Identifiers: ClinVar variation 1885 (VCV000001885.4), dbSNP rs121918255, ClinGen allele CA115266.
Genomic context (GRCh38, chr6:49,435,473, plus strand): 5'-AAGATTCCCATCACAGTACTAGAAAAATAGAGATAAAAAATACCTGAGGTGGTATCACCC[C>G]TCCACACATGACAAGAATATCTGGCCGTCCAAGGGAGTTAAGTTCTTTGATGAGTTCAGG-3'
Protein context (NP_000246.2, residues 693-713): GRPDILVMCG[Gly703Arg]VIPPQDYEFL